The following is an entry in ClinVar:

ClinVar aggregate classification (germline): Benign. Review status: criteria provided, multiple submitters, no conflicts (2 of 4 stars). 2 submissions from 2 submitters: Benign (2). Last evaluated 2018-06-16.

Allele frequency attached by ClinVar (database versions not stated): gnomAD exomes 0.02390; ExAC 0.02939; gnomAD 0.09372 and 0.10037; ESP Exome Variant Server 0.10365; TOPMed 0.10425; 1000 Genomes Project 0.10923; 1000 Genomes Project 30x 0.11555.
gnomAD v4.1: 27,573 of 1,525,302 alleles (1.8%); highest among the groups gnomAD compares: African/African-American, 32%; 4,040 homozygotes.

Submissions (2):

GeneDx
Classification: Benign. Last evaluated: 2018-06-16. Review status: criteria provided, single submitter. Criteria: GeneDx Variant Classification (06012015). Collection method: clinical testing. Allele origin: germline. Affected: yes.
Comment: This variant is considered likely benign or benign based on one or more of the following criteria: it is a conservative change, it occurs at a poorly conserved position in the protein, it is predicted to be benign by multiple in silico algorithms, and/or has population frequency not consistent with disease.

Breakthrough Genomics
Classification: Benign. Review status: criteria provided, single submitter. Criteria: ACMG Guidelines, 2015. Collection method: not provided. Allele origin: germline. Inheritance: Autosomal recessive inheritance. Affected: yes.

NM_001605.3(AARS1):c.963-51A>C

Gene: AARS1 (alanyl-tRNA synthetase 1; minus strand). Cytogenetic location: 16q22.1.
Variant type: single nucleotide variant.
Coding change: c.963-51A>C on transcript NM_001605.3 (MANE Select); 51 bases into the intron before coding-DNA position 963, A replaced by C.
Molecular consequence: intron variant.
Genome position (GRCh38, 1-based): chr16:70,268,430, T>G on the plus strand (A>C on the coding strand, the complement: AARS1 is on the minus strand). VCF-style: chr16-70268430-T-G. GRCh37 (hg19) VCF-style: chr16-70302333-T-G.
Identifiers: ClinVar variation 673419 (VCV000673419.2), dbSNP rs16970302, ClinGen allele CA8140970.